The following is an entry in ClinVar:

ClinVar aggregate classification (germline): Uncertain significance (1 of 4 stars; one submission).

Allele frequency attached by ClinVar (database versions not stated): gnomAD exomes below 0.00001; ExAC 0.00001.
gnomAD v4.1: 5 of 1,587,542 alleles (0.00031%); highest among the groups gnomAD compares: East Asian, 0.0022%; no homozygotes.

Submission:

CeGaT Center for Human Genetics Tuebingen
Classification: Uncertain significance. Last evaluated: 2023-07-01. Review status: criteria provided, single submitter. Criteria: CeGaT Center For Human Genetics Tuebingen Variant Classification Criteria Version 2. Collection method: clinical testing. Allele origin: germline. Affected: yes. Observed: 1 variant allele.
Comment: C4A: PM2, BP4, BP7

NM_007293.3(C4A):c.3351C>T (p.Phe1117=)

Gene: C4A (complement C4A (Chido/Rodgers blood group); plus strand). Cytogenetic location: 6p21.33.
Variant type: single nucleotide variant.
Coding change: c.3351C>T on transcript NM_007293.3 (MANE Select); coding-DNA position 3351, C replaced by T.
Protein change: p.Phe1117=; no amino-acid change (phenylalanine 1117 retained).
Molecular consequence: synonymous variant.
Genome position (GRCh38, 1-based): chr6:31,996,075, C>T. VCF-style: chr6-31996075-C-T. GRCh37 (hg19) VCF-style: chr6-31963852-C-T.
Other names: c.3351C>T, p.Phe1117= (NM_001252204.2).
Identifiers: ClinVar variation 2656434 (VCV002656434.24), dbSNP rs777297715, ClinGen allele CA3731004.